The following is an entry in ClinVar:

ClinVar aggregate classification (germline): Likely benign (1 of 4 stars; one submission).

Allele frequency attached by ClinVar (database versions not stated): 1000 Genomes Project 0.00020; 1000 Genomes Project 30x 0.00031; TOPMed 0.00060; gnomAD 0.00066; ExAC 0.00233.
gnomAD v4.1: 1,095 of 1,441,714 alleles (0.076%); highest among the groups gnomAD compares: Middle Eastern, 1.5%; 9 homozygotes.

Submission:

CeGaT Center for Human Genetics Tuebingen
Classification: Likely benign. Last evaluated: 2023-02-01. Review status: criteria provided, single submitter. Criteria: CeGaT Center For Human Genetics Tuebingen Variant Classification Criteria Version 2. Collection method: clinical testing. Allele origin: germline. Affected: yes. Observed: 1 variant allele.
Comment: KLHL35: PP3, BS2

NM_001039548.3(KLHL35):c.124G>T (p.Asp42Tyr)

Genes: KLHL35 (kelch like family member 35; minus strand), LOC130006426 (ATAC-STARR-seq lymphoblastoid silent region 3765; plus strand). Cytogenetic location: 11q13.4.
Variant type: single nucleotide variant.
Coding change: c.124G>T on transcript NM_001039548.3 (MANE Select); coding-DNA position 124, G replaced by T.
Protein change: p.Asp42Tyr; replaces aspartic acid 42 with tyrosine.
Molecular consequence: missense variant.
Genome position (GRCh38, 1-based): chr11:75,430,506, C>A on the plus strand (G>T on the coding strand, the complement: KLHL35 is on the minus strand). VCF-style: chr11-75430506-C-A. GRCh37 (hg19) VCF-style: chr11-75141551-C-A.
Other names: short protein forms D42Y.
Identifiers: ClinVar variation 2642156 (VCV002642156.24), dbSNP rs146939053, ClinGen allele CA6189983.